The following is an entry in ClinVar:

NM_016151.4(TAOK2):c.3307T>C (p.Cys1103Arg)

Gene: TAOK2 (TAO kinase 2; plus strand). Cytogenetic location: 16p11.2.
Variant type: single nucleotide variant.
Coding change: c.3307T>C on transcript NM_016151.4 (MANE Select); coding-DNA position 3307, T replaced by C.
Protein change: p.Cys1103Arg; replaces cysteine 1103 with arginine.
Molecular consequence: missense variant. On other transcripts: intron variant (1).
Genome position (GRCh38, 1-based): chr16:29,987,579, T>C. VCF-style: chr16-29987579-T-C. GRCh37 (hg19) VCF-style: chr16-29998900-T-C.
Other names: c.2968T>C, p.Cys990Arg (NM_001252043.2); c.2232+1075T>C (NM_004783.4); short protein forms C1103R, C990R.
Identifiers: ClinVar variation 2007034 (VCV002007034.4), dbSNP rs2543671886, ClinGen allele CA395500027.
Genomic context (GRCh38, chr16:29,987,579, plus strand): 5'-CGACTCTGGTTGCGGGTTCTGCTGCGCCTGTCACCCATGGCCTTCCGGGCCCTGCAGGGC[T>C]GTGGGGCTGTGGGGGACCGGGGTCTGTTTGCACTGTACCCCAAAACCAACAAGGATGGCT-3'
Protein context (NP_057235.2, residues 1093-1113): SPMAFRALQG[Cys1103Arg]GAVGDRGLFA

ClinVar aggregate classification (germline): Uncertain significance (1 of 4 stars; one submission).

Submission:

Labcorp Genetics (formerly Invitae), Labcorp
Classification: Uncertain significance. Last evaluated: 2022-06-15. Review status: criteria provided, single submitter. Criteria: Invitae Variant Classification Sherloc (09022015). Collection method: clinical testing. Allele origin: germline.
Comment: In summary, the available evidence is currently insufficient to determine the role of this variant in disease. Therefore, it has been classified as a Variant of Uncertain Significance. Algorithms developed to predict the effect of missense changes on protein structure and function are either unavailable or do not agree on the potential impact of this missense change (SIFT: "Tolerated"; PolyPhen-2: "Probably Damaging"; Align-GVGD: "Class C0"). This variant has not been reported in the literature in individuals affected with TAOK2-related conditions. This variant is not present in population databases (gnomAD no frequency). This sequence change replaces cysteine, which is neutral and slightly polar, with arginine, which is basic and polar, at codon 1103 of the TAOK2 protein (p.Cys1103Arg).